The following is an entry in ClinVar:

NM_015043.4(TBC1D9B):c.423G>A (p.Glu141=)

Gene: TBC1D9B (TBC1 domain family member 9B; minus strand). Cytogenetic location: 5q35.3.
Variant type: single nucleotide variant.
Coding change: c.423G>A on transcript NM_015043.4 (MANE Select); coding-DNA position 423, G replaced by A.
Protein change: p.Glu141=; no amino-acid change (glutamic acid 141 retained).
Molecular consequence: synonymous variant.
Genome position (GRCh38, 1-based): chr5:179,894,540, C>T on the plus strand (G>A on the coding strand, the complement: TBC1D9B is on the minus strand). VCF-style: chr5-179894540-C-T. GRCh37 (hg19) VCF-style: chr5-179321540-C-T.
Other names: c.423G>A, p.Glu141= (NM_198868.3).
Identifiers: ClinVar variation 2656147 (VCV002656147.24), dbSNP rs1255342706, ClinGen allele CA448383044.

ClinVar aggregate classification (germline): Likely benign (1 of 4 stars; one submission).

Allele frequency attached by ClinVar (database versions not stated): gnomAD exomes below 0.00001.
gnomAD v4.1: 2 of 1,614,270 alleles (0.00012%); highest among the groups gnomAD compares: Middle Eastern, 0.016%; no homozygotes.

Submission:

CeGaT Center for Human Genetics Tuebingen
Classification: Likely benign. Last evaluated: 2022-12-01. Review status: criteria provided, single submitter. Criteria: CeGaT Center For Human Genetics Tuebingen Variant Classification Criteria Version 2. Collection method: clinical testing. Allele origin: germline. Affected: yes. Observed: 1 variant allele.
Comment: TBC1D9B: BP4, BP7